The following is an entry in ClinVar:

NM_000135.4(FANCA):c.767C>A (p.Thr256Asn)

Gene: FANCA (FA complementation group A; minus strand). Cytogenetic location: 16q24.3.
Variant type: single nucleotide variant.
Coding change: c.767C>A on transcript NM_000135.4 (MANE Select); coding-DNA position 767, C replaced by A.
Protein change: p.Thr256Asn; replaces threonine 256 with asparagine.
Molecular consequence: missense variant.
Genome position (GRCh38, 1-based): chr16:89,803,284, G>T on the plus strand (C>A on the coding strand, the complement: FANCA is on the minus strand). VCF-style: chr16-89803284-G-T. GRCh37 (hg19) VCF-style: chr16-89869692-G-T.
Other names: c.767C>A, p.Thr256Asn (NM_001018112.3, NM_001286167.3); c.671C>A, p.Thr224Asn (NM_001351830.2); short protein forms T224N, T256N.
Identifiers: ClinVar variation 1349676 (VCV001349676.11), dbSNP rs377078635, ClinGen allele CA286605282.

ClinVar aggregate classification (germline): Conflicting classifications of pathogenicity. Review status: criteria provided, conflicting classifications (1 of 4 stars). 4 submissions from 4 submitters: Uncertain significance (2); Likely benign (2). Last evaluated 2024-12-25.

Conditions:
Fanconi anemia (FA). Also called: Fanconi's anemia. Identifiers: Orphanet 84, MedGen C0015625, MeSH D005199, MONDO:0019391.
Fanconi anemia complementation group A (FANCA). Also called: Fanconi anemia, group A; FANCA-Related Fanconi Anemia. Identifiers: Orphanet 84, MedGen C3469521, MONDO:0009215, OMIM 227650.
Inborn genetic diseases. Identifiers: MedGen C0950123, MeSH D030342.

Allele frequency attached by ClinVar (database versions not stated): TOPMed below 0.00001; gnomAD exomes 0.00001; ESP Exome Variant Server 0.00008.
gnomAD v4.1: 16 of 1,614,070 alleles (0.00099%); highest among the groups gnomAD compares: Non-Finnish European, 0.0014%; no homozygotes.

Submissions (4):

Ambry Genetics
Classification: Likely benign for Inborn genetic diseases. Last evaluated: 2024-12-25. Review status: criteria provided, single submitter. Criteria: Ambry Variant Classification Scheme 2023. Collection method: clinical testing. Allele origin: germline.

St. Jude Molecular Pathology, St. Jude Children's Research Hospital
Classification: Uncertain significance for Fanconi anemia complementation group A. Last evaluated: 2022-06-08. Review status: criteria provided, single submitter. Criteria: St. Jude Assertion Criteria 2020. Collection method: clinical testing. Allele origin: germline.
Comment: The FANCA c.767C>A (p.Thr256Asn) missense change is absent in gnomAD v2.1.1. The in silico tool REVEL predicts a benign effect on protein function, but to our knowledge this prediction has not been confirmed by functional studies. To our knowledge, this variant has not been reported in individuals with Fanconi anemia. In summary, the evidence currently available is insufficient to determine the role of this variant in Fanconi anemia. It has therefore been classified as of uncertain significance.

Blueprint Genetics
Classification: Likely benign. Last evaluated: 2022-05-30. Review status: criteria provided, single submitter. Criteria: ACMG Guidelines, 2015. Collection method: clinical testing. Allele origin: germline.

Labcorp Genetics (formerly Invitae), Labcorp
Classification: Uncertain significance for Fanconi anemia. Last evaluated: 2022-01-28. Review status: criteria provided, single submitter. Criteria: Invitae Variant Classification Sherloc (09022015). Collection method: clinical testing. Allele origin: germline.
Comment: This sequence change replaces threonine, which is neutral and polar, with asparagine, which is neutral and polar, at codon 256 of the FANCA protein (p.Thr256Asn). This variant is not present in population databases (gnomAD no frequency). This variant has not been reported in the literature in individuals affected with FANCA-related conditions. Advanced modeling of protein sequence and biophysical properties (such as structural, functional, and spatial information, amino acid conservation, physicochemical variation, residue mobility, and thermodynamic stability) performed at Invitae indicates that this missense variant is not expected to disrupt FANCA protein function. In summary, the available evidence is currently insufficient to determine the role of this variant in disease. Therefore, it has been classified as a Variant of Uncertain Significance.